The following is an entry in ClinVar:

ClinVar aggregate classification (germline): Uncertain significance (1 of 4 stars; one submission).

Allele frequency attached by ClinVar (database versions not stated): gnomAD exomes below 0.00001.

Submission:

Labcorp Genetics (formerly Invitae), Labcorp
Classification: Uncertain significance. Last evaluated: 2022-07-01. Review status: criteria provided, single submitter. Criteria: Invitae Variant Classification Sherloc (09022015). Collection method: clinical testing. Allele origin: germline.
Comment: In summary, the available evidence is currently insufficient to determine the role of this variant in disease. Therefore, it has been classified as a Variant of Uncertain Significance. Algorithms developed to predict the effect of missense changes on protein structure and function are either unavailable or do not agree on the potential impact of this missense change (SIFT: "Deleterious"; PolyPhen-2: "Probably Damaging"; Align-GVGD: "Class C0"). This variant has not been reported in the literature in individuals affected with OSTM1-related conditions. This variant is not present in population databases (gnomAD no frequency). This sequence change replaces leucine, which is neutral and non-polar, with serine, which is neutral and polar, at codon 147 of the OSTM1 protein (p.Leu147Ser).

NM_014028.4(OSTM1):c.440T>C (p.Leu147Ser)

Gene: OSTM1 (osteoclastogenesis associated transmembrane protein 1; minus strand). Cytogenetic location: 6q21.
Variant type: single nucleotide variant.
Coding change: c.440T>C on transcript NM_014028.4 (MANE Select); coding-DNA position 440, T replaced by C.
Protein change: p.Leu147Ser; replaces leucine 147 with serine.
Molecular consequence: missense variant.
Genome position (GRCh38, 1-based): chr6:108,064,262, A>G on the plus strand (T>C on the coding strand, the complement: OSTM1 is on the minus strand). VCF-style: chr6-108064262-A-G. GRCh37 (hg19) VCF-style: chr6-108385466-A-G.
Other names: short protein forms L147S.
Identifiers: ClinVar variation 2037574 (VCV002037574.2), dbSNP rs2482208422, ClinGen allele CA365329441.
Genomic context (GRCh38, chr6:108,064,262, plus strand): 5'-TGCCATGTGGTATTAAAAAATTCTGAGAGAATCACAACTATTTGCATTCTATCTGCCATT[A>G]AGAGACTTCTGGCACAACTCTGACTCTCTGAAGTATTCTGTAACAAAAAGAAGACAGAAA-3'
Protein context (NP_054747.2, residues 137-157): SESQSCARSL[Leu147Ser]MADRMQIVVI